The following is an entry in ClinVar:

NM_000342.4(SLC4A1):c.134_137dup (p.Tyr46Ter)

Gene: SLC4A1 (solute carrier family 4 member 1 (Diego blood group); minus strand). Cytogenetic location: 17q21.31.
Variant type: Duplication.
Coding change: c.134_137dup on transcript NM_000342.4 (MANE Select); coding-DNA positions 134 to 137, 4 bases duplicated (ACTA; older notation c.134_137dupACTA).
Protein change: p.Tyr46Ter; replaces tyrosine 46 with a stop codon.
Molecular consequence: nonsense.
Genome position (GRCh38, 1-based): chr17:44,261,606-44,261,609, TAGT duplicated on the plus strand (ACTA on the coding strand, the reverse complement: SLC4A1 is on the minus strand). VCF-style (leftmost placement, unchanged base first): chr17-44261605-G-GTAGT. GRCh37 (hg19) VCF-style: chr17-42338973-G-GTAGT.
Other names: short protein forms Y46*.
Identifiers: ClinVar variation 3727092 (VCV003727092.2).

ClinVar aggregate classification (germline): Pathogenic (1 of 4 stars; one submission).

Submission:

Labcorp Genetics (formerly Invitae), Labcorp
Classification: Pathogenic. Last evaluated: 2024-12-12. Review status: criteria provided, single submitter. Criteria: Invitae Variant Classification Sherloc (09022015). Collection method: clinical testing. Allele origin: germline.
Comment: This sequence change creates a premature translational stop signal (p.Tyr46*) in the SLC4A1 gene. It is expected to result in an absent or disrupted protein product. Loss-of-function variants in SLC4A1 are known to be pathogenic (PMID: 8943874, 10926824, 23255290). This variant is not present in population databases (gnomAD no frequency). This variant has not been reported in the literature in individuals affected with SLC4A1-related conditions. For these reasons, this variant has been classified as Pathogenic.

Literature cited by the submitters: PubMed 8943874; PubMed 10926824; PubMed 23255290.